The following is an entry in ClinVar:

NM_000436.4(OXCT1):c.955+4T>G

Gene: OXCT1 (3-oxoacid CoA-transferase 1; minus strand). Cytogenetic location: 5p13.1.
Variant type: single nucleotide variant.
Coding change: c.955+4T>G on transcript NM_000436.4 (MANE Select); 4 bases into the intron after coding-DNA position 955, T replaced by G.
Molecular consequence: intron variant.
Genome position (GRCh38, 1-based): chr5:41,805,563, A>C on the plus strand (T>G on the coding strand, the complement: OXCT1 is on the minus strand). VCF-style: chr5-41805563-A-C. GRCh37 (hg19) VCF-style: chr5-41805665-A-C.
Other names: c.949+4T>G (NM_001364301.2); c.955+4T>G (NM_001364302.2); c.976+4T>G (NM_001364299.2, NM_001364300.2); c.397+4T>G (NM_001364303.2).
Identifiers: ClinVar variation 665521 (VCV000665521.1), dbSNP rs1579774376, ClinGen allele CA915943344.

ClinVar aggregate classification (germline): Uncertain significance (1 of 4 stars; one submission).

Conditions:
Succinyl-CoA acetoacetate transferase deficiency (SCOTD). Also called: 3-Oxoacid CoA Transferase Deficiency; Succinyl CoA:3-oxoacid CoA transferase deficiency; SCOT DEFICIENCY; SUCCINYL-CoA:3-KETOACID CoA-TRANSFERASE DEFICIENCY; KETOACIDOSIS DUE TO SCOT DEFICIENCY. Identifiers: Orphanet 832, MedGen C0342792, MONDO:0009492, OMIM 245050.

Allele frequency attached by ClinVar (database versions not stated): gnomAD exomes below 0.00001.
gnomAD v4.1: 4 of 1,592,912 alleles (0.00025%); highest among the groups gnomAD compares: Non-Finnish European, 0.00034%; no homozygotes.

Submission:

Labcorp Genetics (formerly Invitae), Labcorp
Classification: Uncertain significance for Succinyl-CoA acetoacetate transferase deficiency. Last evaluated: 2018-12-04. Review status: criteria provided, single submitter. Criteria: Invitae Variant Classification Sherloc (09022015). Collection method: clinical testing. Allele origin: germline.
Comment: This sequence change falls in intron 9 of the OXCT1 gene. It does not directly change the encoded amino acid sequence of the OXCT1 protein, but it affects a nucleotide within the consensus splice site of the intron. This variant is not present in population databases (ExAC no frequency). This variant has not been reported in the literature in individuals with OXCT1-related conditions. Nucleotide substitutions within the consensus splice site are a relatively common cause of aberrant splicing (PMID: 17576681, 9536098). Algorithms developed to predict the effect of sequence changes on RNA splicing suggest that this variant may disrupt the consensus splice site, but this prediction has not been confirmed by published transcriptional studies. In summary, the available evidence is currently insufficient to determine the role of this variant in disease. Therefore, it has been classified as a Variant of Uncertain Significance.